The following is an entry in ClinVar:

ClinVar aggregate classification (germline): Uncertain significance (1 of 4 stars; one submission).

Conditions:
Joubert syndrome 20 (JBTS20). Identifiers: Orphanet 475, MedGen C3554235, MONDO:0013994, OMIM 614970.
Meckel syndrome, type 11 (MKS11). Identifiers: Orphanet 564, MedGen C3809352, MONDO:0014164, OMIM 615397.

Submission:

Labcorp Genetics (formerly Invitae), Labcorp
Classification: Uncertain significance for Joubert syndrome 20; Meckel syndrome, type 11. Last evaluated: 2022-06-27. Review status: criteria provided, single submitter. Criteria: Invitae Variant Classification Sherloc (09022015). Collection method: clinical testing. Allele origin: germline.
Comment: In summary, the available evidence is currently insufficient to determine the role of this variant in disease. Therefore, it has been classified as a Variant of Uncertain Significance. Algorithms developed to predict the effect of missense changes on protein structure and function are either unavailable or do not agree on the potential impact of this missense change (SIFT: "Tolerated"; PolyPhen-2: "Not Available"; Align-GVGD: "Class C0"). This variant has not been reported in the literature in individuals affected with TMEM231-related conditions. This variant is not present in population databases (gnomAD no frequency). This sequence change replaces leucine, which is neutral and non-polar, with isoleucine, which is neutral and non-polar, at codon 154 of the TMEM231 protein (p.Leu154Ile).

NM_001077418.3(TMEM231):c.301C>A (p.Leu101Ile)

Gene: TMEM231 (transmembrane protein 231; minus strand). Cytogenetic location: 16q23.1.
Variant type: single nucleotide variant.
Coding change: c.301C>A on transcript NM_001077418.3 (MANE Select); coding-DNA position 301, C replaced by A.
Protein change: p.Leu101Ile; replaces leucine 101 with isoleucine.
Molecular consequence: missense variant. On other transcripts: non-coding transcript variant (1).
Genome position (GRCh38, 1-based): chr16:75,555,812, G>T on the plus strand (C>A on the coding strand, the complement: TMEM231 is on the minus strand). VCF-style: chr16-75555812-G-T. GRCh37 (hg19) VCF-style: chr16-75589710-G-T.
Other names: c.460C>A, p.Leu154Ile (NM_001077416.2); short protein forms L154I, L101I.
Identifiers: ClinVar variation 1489086 (VCV001489086.6), dbSNP rs2151710524, ClinGen allele CA396808881.
Genomic context (GRCh38, chr16:75,555,812, plus strand): 5'-CATCCCCACCCTATCCCCGACTCTGCCCCAGGCCCAGGCGGGAACCACGCACCGAAACGA[G>T]CGGGACGCGCAGGCGATCCCCTTGCAGCCGGTTGAAGGCGGGGAACGTGCTCCAGGCGAG-3'
Protein context (NP_001070886.1, residues 91-111): RLQGDRLRVP[Leu101Ile]VSTREEDRNQ